The following is an entry in ClinVar:

ClinVar aggregate classification (germline): Uncertain significance (1 of 4 stars; one submission).

Conditions:
Inborn genetic diseases. Identifiers: MedGen C0950123, MeSH D030342.

Submission:

Ambry Genetics
Classification: Uncertain significance for Inborn genetic diseases. Last evaluated: 2022-03-07. Review status: criteria provided, single submitter. Criteria: Ambry Variant Classification Scheme 2023. Collection method: clinical testing. Allele origin: germline.
Comment: Loss of function has not been clearly established as a mechanism of disease Based on insufficient or conflicting evidence, the clinical significance of this alteration remains unclear.

NM_001371727.1(GABRB2):c.394G>T (p.Gly132Ter)

Gene: GABRB2 (gamma-aminobutyric acid type A receptor subunit beta2; minus strand). Cytogenetic location: 5q34.
Variant type: single nucleotide variant.
Coding change: c.394G>T on transcript NM_001371727.1 (MANE Select); coding-DNA position 394, G replaced by T.
Protein change: p.Gly132Ter; replaces glycine 132 with a stop codon.
Molecular consequence: nonsense.
Genome position (GRCh38, 1-based): chr5:161,459,688, C>A on the plus strand (G>T on the coding strand, the complement: GABRB2 is on the minus strand). VCF-style: chr5-161459688-C-A. GRCh37 (hg19) VCF-style: chr5-160886694-C-A.
Other names: c.394G>T, p.Gly132Ter (NM_000813.3, NM_021911.3); short protein forms G132*.
Identifiers: ClinVar variation 2277152 (VCV002277152.2), dbSNP rs868863837, ClinGen allele CA362173827.